The following is an entry in ClinVar:

NM_000548.5(TSC2):c.2546C>T (p.Thr849Ile)

Gene: TSC2 (TSC complex subunit 2; plus strand). Cytogenetic location: 16p13.3.
Variant type: single nucleotide variant.
Coding change: c.2546C>T on transcript NM_000548.5 (MANE Select); coding-DNA position 2546, C replaced by T.
Protein change: p.Thr849Ile; replaces threonine 849 with isoleucine.
Molecular consequence: missense variant.
Genome position (GRCh38, 1-based): chr16:2,075,799, C>T. VCF-style: chr16-2075799-C-T. GRCh37 (hg19) VCF-style: chr16-2125800-C-T.
Other names: c.2534C>T, p.Thr845Ile (NM_001406671.1, NM_001406673.1); c.2399C>T, p.Thr800Ile (NM_001406675.1, NM_001406676.1, NM_001318829.2 and 1 more transcripts); c.2489C>T, p.Thr830Ile (NM_001406677.1); c.1946C>T, p.Thr649Ile (NM_001406687.1, NM_001406688.1, NM_001318831.2 and 6 more transcripts); c.2546C>T, p.Thr849Ile (NM_001077183.3, NM_001406664.1, NM_001406665.1 and 6 more transcripts); c.2636C>T, p.Thr879Ile (NM_001406667.1, NM_001406668.1); c.2435C>T, p.Thr812Ile (NM_001406670.1, NM_001318827.2, NM_001406678.1); c.1202C>T, p.Thr401Ile (NM_001406689.1, NM_001406690.1, NM_001406697.1 and 6 more transcripts); and 3 more; short protein forms T695I, T812I, T315I, T649I, T401I, T800I, T830I, T845I.
Identifiers: ClinVar variation 1991003 (VCV001991003.4), dbSNP rs2151379681, ClinGen allele CA394278259.

ClinVar aggregate classification (germline): Uncertain significance (1 of 4 stars; one submission).

Conditions:
Tuberous sclerosis 2 (TSC2). Identifiers: Orphanet 805, MedGen C1860707, MONDO:0013199, OMIM 613254.

Submission:

Labcorp Genetics (formerly Invitae), Labcorp
Classification: Uncertain significance for Tuberous sclerosis 2. Last evaluated: 2025-04-07. Review status: criteria provided, single submitter. Criteria: Invitae Variant Classification Sherloc (09022015). Collection method: clinical testing. Allele origin: germline.
Comment: This sequence change replaces threonine, which is neutral and polar, with isoleucine, which is neutral and non-polar, at codon 849 of the TSC2 protein (p.Thr849Ile). This variant is not present in population databases (gnomAD no frequency). This variant has not been reported in the literature in individuals affected with TSC2-related conditions. ClinVar contains an entry for this variant (Variation ID: 1991003). An algorithm developed to predict the effect of missense changes on protein structure and function (PolyPhen-2) suggests that this variant is likely to be disruptive. In summary, the available evidence is currently insufficient to determine the role of this variant in disease. Therefore, it has been classified as a Variant of Uncertain Significance.